The following is an entry in ClinVar:

ClinVar aggregate classification (germline): Benign/Likely benign. Review status: criteria provided, multiple submitters, no conflicts (2 of 4 stars). 8 submissions from 8 submitters: Benign (1); Likely benign (7). Last evaluated 2025-03-26.

Conditions:
Hereditary cancer-predisposing syndrome. Also called: Hereditary Cancer Syndrome; Neoplastic Syndromes, Hereditary; Tumor predisposition; Hereditary neoplastic syndrome. Identifiers: Orphanet 140162, MedGen C0027672, MeSH D009386, MONDO:0015356.
Peutz-Jeghers syndrome (PJS). Also called: POLYPOSIS, HAMARTOMATOUS INTESTINAL; POLYPS-AND-SPOTS SYNDROME; Peutz-Jeghers polyposis; Periorificial lentiginosis syndrome. Identifiers: Orphanet 2869, MedGen C0031269, MeSH D010580, MONDO:0008280, OMIM 175200.

Allele frequency attached by ClinVar (database versions not stated): gnomAD exomes below 0.00001.

Submissions (8):

Myriad Genetics, Inc.
Classification: Benign for Peutz-Jeghers syndrome. Last evaluated: 2025-03-26. Review status: criteria provided, single submitter. Criteria: Myriad Autosomal Dominant, Autosomal Recessive and X-Linked Classification Criteria (2023). Collection method: clinical testing. Allele origin: unknown.
Comment: This variant is considered benign. This variant is a silent/synonymous amino acid change and it is not expected to impact splicing.

Center for Genomic Medicine, Rigshospitalet, Copenhagen University Hospital
Classification: Likely benign. Last evaluated: 2025-03-04. Review status: criteria provided, single submitter. Criteria: ACMG Guidelines, 2015. Collection method: clinical testing. Allele origin: germline.

Labcorp Genetics (formerly Invitae), Labcorp
Classification: Likely benign for Peutz-Jeghers syndrome. Last evaluated: 2025-01-15. Review status: criteria provided, single submitter. Criteria: Invitae Variant Classification Sherloc (09022015). Collection method: clinical testing. Allele origin: germline.

Women's Health and Genetics/Laboratory Corporation of America, LabCorp
Classification: Likely benign. Last evaluated: 2024-12-06. Review status: criteria provided, single submitter. Criteria: LabCorp Variant Classification Summary - May 2015. Collection method: clinical testing. Allele origin: germline.

All of Us Research Program, National Institutes of Health
Classification: Likely benign for Peutz-Jeghers syndrome. Last evaluated: 2023-12-01. Review status: criteria provided, single submitter. Criteria: ACMG Guidelines, 2015. Collection method: clinical testing. Allele origin: germline. Inheritance: Autosomal dominant inheritance. Observed: 1 variant allele, 1 heterozygote.
Comment: This study involves interpretation of variants in research participants for the purpose of population health screening. Participant phenotype was not available at the time of variant classification. Additional details can be found in publication PMID: 35346344, PMCID: PMC8962531

Color Diagnostics, LLC DBA Color Health
Classification: Likely benign for Hereditary cancer-predisposing syndrome. Last evaluated: 2019-02-07. Review status: criteria provided, single submitter. Criteria: ACMG Guidelines, 2015. Collection method: clinical testing. Allele origin: germline.

GeneDx
Classification: Likely benign. Last evaluated: 2017-04-20. Review status: criteria provided, single submitter. Criteria: GeneDx Variant Classification (06012015). Collection method: clinical testing. Allele origin: germline. Affected: yes.
Comment: This variant is considered likely benign or benign based on one or more of the following criteria: it is a conservative change, it occurs at a poorly conserved position in the protein, it is predicted to be benign by multiple in silico algorithms, and/or has population frequency not consistent with disease.

Ambry Genetics
Classification: Likely benign for Hereditary cancer-predisposing syndrome. Last evaluated: 2015-01-21. Review status: criteria provided, single submitter. Criteria: Ambry Variant Classification Scheme 2023. Collection method: clinical testing. Allele origin: germline.

NM_000455.5(STK11):c.528C>T (p.Asp176=)

Gene: STK11 (serine/threonine kinase 11; plus strand). Cytogenetic location: 19p13.3.
Variant type: single nucleotide variant.
Coding change: c.528C>T on transcript NM_000455.5 (MANE Select); coding-DNA position 528, C replaced by T.
Protein change: p.Asp176=; no amino-acid change (aspartic acid 176 retained).
Molecular consequence: synonymous variant.
Genome position (GRCh38, 1-based): chr19:1,220,436, C>T. VCF-style: chr19-1220436-C-T. GRCh37 (hg19) VCF-style: chr19-1220435-C-T.
Identifiers: ClinVar variation 230109 (VCV000230109.26), dbSNP rs876658393, ClinGen allele CA10581004.